The following is an entry in ClinVar:

ClinVar aggregate classification (germline): Uncertain significance. Review status: criteria provided, multiple submitters, no conflicts (2 of 4 stars). 3 submissions from 3 submitters: Uncertain significance (3). Last evaluated 2026-05-11.

Conditions:
Peroxisome biogenesis disorder 3A (Zellweger). Also called: PEROXISOMAL BIOGENESIS DISORDER 3A (ZELLWEGER); Peroxisome biogenesis disorder 3A. Identifiers: Orphanet 912, MedGen C3553929, MONDO:0013927, OMIM 614859.
Inborn genetic diseases. Identifiers: MedGen C0950123, MeSH D030342.
PEX12-related disorder. Also called: PEX12-related condition; PEX12-related disorders.

Allele frequency attached by ClinVar (database versions not stated): gnomAD exomes 0.00003; ExAC 0.00004; gnomAD 0.00009; TOPMed 0.00011; 1000 Genomes Project 30x 0.00016; 1000 Genomes Project 0.00020.

Submissions (3):

PreventionGenetics, part of Exact Sciences
Classification: Uncertain significance for PEX12-related condition. Last evaluated: 2026-05-11. Review status: criteria provided, single submitter. Criteria: ACMG Guidelines, 2015. Collection method: clinical testing. Allele origin: germline.
Comment: The PEX12 c.306A>T variant is predicted to result in the amino acid substitution p.Arg102Ser. To our knowledge, this variant has not been reported in the literature. This variant is reported in 0.040% of alleles in individuals of African descent in gnomAD. At this time, the clinical significance of this variant is uncertain due to the absence of conclusive functional and genetic evidence.

Labcorp Genetics (formerly Invitae), Labcorp
Classification: Uncertain significance for Peroxisome biogenesis disorder 3A (Zellweger). Last evaluated: 2025-12-29. Review status: criteria provided, single submitter. Criteria: Invitae Variant Classification Sherloc (09022015). Collection method: clinical testing. Allele origin: germline.
Comment: This sequence change replaces arginine, which is basic and polar, with serine, which is neutral and polar, at codon 102 of the PEX12 protein (p.Arg102Ser). This variant is present in population databases (rs563487343, gnomAD 0.04%). This variant has not been reported in the literature in individuals affected with PEX12-related conditions. ClinVar contains an entry for this variant (Variation ID: 864735). Invitae Evidence Modeling of protein sequence and biophysical properties (such as structural, functional, and spatial information, amino acid conservation, physicochemical variation, residue mobility, and thermodynamic stability) indicates that this missense variant is not expected to disrupt PEX12 protein function with a negative predictive value of 80%. In summary, the available evidence is currently insufficient to determine the role of this variant in disease. Therefore, it has been classified as a Variant of Uncertain Significance.

Ambry Genetics
Classification: Uncertain significance for Inborn genetic diseases. Last evaluated: 2024-06-07. Review status: criteria provided, single submitter. Criteria: Ambry Variant Classification Scheme 2023. Collection method: clinical testing. Allele origin: germline.

NM_000286.3(PEX12):c.306A>T (p.Arg102Ser)

Gene: PEX12 (peroxisomal biogenesis factor 12; minus strand). Cytogenetic location: 17q12.
Variant type: single nucleotide variant.
Coding change: c.306A>T on transcript NM_000286.3 (MANE Select); coding-DNA position 306, A replaced by T.
Protein change: p.Arg102Ser; replaces arginine 102 with serine.
Molecular consequence: missense variant.
Genome position (GRCh38, 1-based): chr17:35,577,412, T>A on the plus strand (A>T on the coding strand, the complement: PEX12 is on the minus strand). VCF-style: chr17-35577412-T-A. GRCh37 (hg19) VCF-style: chr17-33904431-T-A.
Other names: short protein forms R102S.
Identifiers: ClinVar variation 864735 (VCV000864735.11), dbSNP rs563487343, ClinGen allele CA8504925.
Genomic context (GRCh38, chr17:35,577,412, plus strand): 5'-AAGAACCAGGAACATAATAGATTTCCAAAGCTGCTGCTTTGGGAGACCAGCACTAGCCAA[T>A]CTCTGAGACTTGTGAGTGTCCCCCATTACAATTCTCTTTAAGCCGTAAAAGTTTTCAGAA-3'
Protein context (NP_000277.1, residues 92-112): IVMGDTHKSQ[Arg102Ser]LASAGLPKQQ